The following is an entry in ClinVar:

ClinVar aggregate classification (germline): Uncertain significance (1 of 4 stars; one submission).

Submission:

GeneDx
Classification: Uncertain significance. Last evaluated: 2024-09-03. Review status: criteria provided, single submitter. Criteria: GeneDx Variant Classification Process June 2021. Collection method: clinical testing. Allele origin: germline. Affected: yes.
Comment: Not observed at significant frequency in large population cohorts (gnomAD); Missense variant in a gene in which most reported pathogenic variants are truncating/loss of function; Has not been previously published as pathogenic or benign to our knowledge

NM_001267550.2(TTN):c.41665G>A (p.Gly13889Arg)

Gene: TTN (titin; minus strand). Cytogenetic location: 2q31.2.
Variant type: single nucleotide variant.
Coding change: c.41665G>A on transcript NM_001267550.2 (MANE Select); coding-DNA position 41665, G replaced by A.
Protein change: p.Gly13889Arg; replaces glycine 13889 with arginine.
Molecular consequence: missense variant.
Genome position (GRCh38, 1-based): chr2:178,635,659, C>T on the plus strand (G>A on the coding strand, the complement: TTN is on the minus strand). VCF-style: chr2-178635659-C-T. GRCh37 (hg19) VCF-style: chr2-179500386-C-T.
Other names: c.36742G>A, p.Gly12248Arg (NM_001256850.1); c.14470G>A, p.Gly4824Arg (NM_003319.4); c.33961G>A, p.Gly11321Arg (NM_133378.4); c.14845G>A, p.Gly4949Arg (NM_133432.3); c.15046G>A, p.Gly5016Arg (NM_133437.4); short protein forms G11321R, G12248R, G13889R, G4824R, G4949R, G5016R.
Identifiers: ClinVar variation 3766008 (VCV003766008.1).